The following is an entry in ClinVar:

NM_004519.4(KCNQ3):c.1597A>C (p.Lys533Gln)

Gene: KCNQ3 (potassium voltage-gated channel subfamily Q member 3; minus strand). Cytogenetic location: 8q24.22.
Variant type: single nucleotide variant.
Coding change: c.1597A>C on transcript NM_004519.4 (MANE Select); coding-DNA position 1597, A replaced by C.
Protein change: p.Lys533Gln; replaces lysine 533 with glutamine.
Molecular consequence: missense variant.
Genome position (GRCh38, 1-based): chr8:132,137,988, T>G on the plus strand (A>C on the coding strand, the complement: KCNQ3 is on the minus strand). VCF-style: chr8-132137988-T-G. GRCh37 (hg19) VCF-style: chr8-133150235-T-G.
Other names: c.1237A>C, p.Lys413Gln (NM_001204824.2); short protein forms K413Q, K533Q.
Identifiers: ClinVar variation 1721057 (VCV001721057.5), dbSNP rs2536875427, ClinGen allele CA372219271.

ClinVar aggregate classification (germline): Uncertain significance (1 of 4 stars; one submission).

Conditions:
Benign neonatal seizures. Also called: Convulsions benign familial neonatal dominant form; Autosomal dominant form of benign neonatal seizures; Benign neonatal familial convulsions; Benign familial neonatal epilepsy; Benign familial neonatal seizures. Identifiers: Orphanet 1949, MedGen C0220669, MONDO:0016027.

Submission:

Labcorp Genetics (formerly Invitae), Labcorp
Classification: Uncertain significance for Benign neonatal seizures. Last evaluated: 2023-03-17. Review status: criteria provided, single submitter. Criteria: Invitae Variant Classification Sherloc (09022015). Collection method: clinical testing. Allele origin: germline.
Comment: This variant is not present in population databases (gnomAD no frequency). In summary, the available evidence is currently insufficient to determine the role of this variant in disease. Therefore, it has been classified as a Variant of Uncertain Significance. Advanced modeling of protein sequence and biophysical properties (such as structural, functional, and spatial information, amino acid conservation, physicochemical variation, residue mobility, and thermodynamic stability) performed at Invitae indicates that this missense variant is not expected to disrupt KCNQ3 protein function. ClinVar contains an entry for this variant (Variation ID: 1721057). This variant has not been reported in the literature in individuals affected with KCNQ3-related conditions. This sequence change replaces lysine, which is basic and polar, with glutamine, which is neutral and polar, at codon 533 of the KCNQ3 protein (p.Lys533Gln).